The following is an entry in ClinVar:

NM_000090.4(COL3A1):c.3521C>T (p.Ser1174Phe)

Gene: COL3A1 (collagen type III alpha 1 chain; plus strand). Cytogenetic location: 2q32.2.
Variant type: single nucleotide variant.
Coding change: c.3521C>T on transcript NM_000090.4 (MANE Select); coding-DNA position 3521, C replaced by T.
Protein change: p.Ser1174Phe; replaces serine 1174 with phenylalanine.
Molecular consequence: missense variant.
Genome position (GRCh38, 1-based): chr2:189,008,138, C>T. VCF-style: chr2-189008138-C-T. GRCh37 (hg19) VCF-style: chr2-189872864-C-T.
Other names: short protein forms S1174F.
Identifiers: ClinVar variation 4756420 (VCV004756420.2).

ClinVar aggregate classification (germline): Conflicting classifications of pathogenicity. Review status: criteria provided, conflicting classifications (1 of 4 stars). 2 submissions from 2 submitters: Uncertain significance (1); Likely benign (1). Last evaluated 2025-12-15.

Conditions:
Familial thoracic aortic aneurysm and aortic dissection (TAAD). Also called: Thoracic aortic aneurysms and dissections. Identifiers: Orphanet 91387, MedGen C4707243, MONDO:0019625.

gnomAD v4.1: 3 of 1,611,648 alleles (0.00019%); highest among the groups gnomAD compares: East Asian, 0.0067%; no homozygotes.

Submissions (2):

Ambry Genetics
Classification: Likely benign for Familial thoracic aortic aneurysm and aortic dissection. Last evaluated: 2025-12-15. Review status: criteria provided, single submitter. Criteria: Ambry Variant Classification Scheme 2023. Collection method: clinical testing. Allele origin: germline.

Color Diagnostics, LLC DBA Color Health
Classification: Uncertain significance for Familial thoracic aortic aneurysm and aortic dissection. Last evaluated: 2025-09-18. Review status: criteria provided, single submitter. Criteria: ACMG Guidelines, 2015. Collection method: clinical testing. Allele origin: germline.
Comment: This missense variant replaces serine with phenylalanine at codon 1174 of the COL3A1 protein. Computational prediction is inconclusive regarding the impact of this variant on protein structure and function. To our knowledge, functional studies have not been reported for this variant. This variant has not been reported in individuals affected with COL3A1-related disorders in the literature. This variant has been identified in 5/246922 chromosomes in the general population by the Genome Aggregation Database (gnomAD). The available evidence is insufficient to determine the role of this variant in disease conclusively. Therefore, this variant is classified as a Variant of Uncertain Significance.